The following is an entry in ClinVar:

NM_152783.5(D2HGDH):c.1258G>A (p.Ala420Thr)

Gene: D2HGDH (D-2-hydroxyglutarate dehydrogenase; plus strand). Cytogenetic location: 2q37.3.
Variant type: single nucleotide variant.
Coding change: c.1258G>A on transcript NM_152783.5 (MANE Select); coding-DNA position 1258, G replaced by A.
Protein change: p.Ala420Thr; replaces alanine 420 with threonine.
Molecular consequence: missense variant. On other transcripts: non-coding transcript variant (1).
Genome position (GRCh38, 1-based): chr2:241,755,966, G>A. VCF-style: chr2-241755966-G-A. GRCh37 (hg19) VCF-style: chr2-242695381-G-A.
Other names: p.Ala420Thr; c.856G>A, p.Ala286Thr (NM_001287249.2); c.697G>A, p.Ala233Thr (NM_001352824.2); short protein forms A420T, A233T, A286T.
Identifiers: ClinVar variation 158409 (VCV000158409.65), dbSNP rs149504235, ClinGen allele CA171822.

ClinVar aggregate classification (germline): Conflicting classifications of pathogenicity. Review status: criteria provided, conflicting classifications (1 of 4 stars). 7 submissions from 7 submitters: Uncertain significance (1); Benign (1); Likely benign (3). 2 of the submissions do not count toward it. Last evaluated 2026-07-01.

Conditions:
D2HGDH-related disorder. Also called: D2HGDH-related condition.
D-2-hydroxyglutaric aciduria 1 (D2HGA1). Identifiers: Orphanet 79315, MedGen C3152055, MONDO:0024554, OMIM 600721.

Allele frequency attached by ClinVar (database versions not stated): ESP Exome Variant Server 0.00215; gnomAD exomes 0.00220 and 0.00305; ExAC 0.00222; gnomAD 0.00235 and 0.00236; TOPMed 0.00236; 1000 Genomes Project 30x 0.00297; 1000 Genomes Project 0.00319.
gnomAD v4.1: 4,735 of 1,604,926 alleles (0.3%); highest among the groups gnomAD compares: Non-Finnish European, 0.34%; 9 homozygotes.

Submissions (7):

CeGaT Center for Human Genetics Tuebingen
Classification: Likely benign. Last evaluated: 2026-07-01. Review status: criteria provided, single submitter. Criteria: CeGaT Center For Human Genetics Tuebingen Variant Classification Criteria Version 2. Collection method: clinical testing. Allele origin: germline. Affected: yes. Observed: 8 variant alleles.
Comment: D2HGDH: BP4

Labcorp Genetics (formerly Invitae), Labcorp
Classification: Benign for D-2-hydroxyglutaric aciduria 1. Last evaluated: 2026-01-25. Review status: criteria provided, single submitter. Criteria: Invitae Variant Classification Sherloc (09022015). Collection method: clinical testing. Allele origin: germline.

Mayo Clinic Laboratories, Mayo Clinic
Classification: Likely benign. Last evaluated: 2025-01-07. Review status: criteria provided, single submitter. Criteria: ACMG Guidelines, 2015. Collection method: clinical testing. Allele origin: germline. Observed: 5 variant alleles.
Comment: BS1, BP4_moderate

Blueprint Genetics
Classification: Likely benign. Last evaluated: 2024-11-26. Review status: criteria provided, single submitter. Criteria: ACMG Guidelines, 2015. Collection method: clinical testing. Allele origin: germline.

Illumina Laboratory Services, Illumina
Classification: Uncertain significance for D-2-hydroxyglutaric aciduria 1. Last evaluated: 2018-01-13. Review status: criteria provided, single submitter. Criteria: ICSL Variant Classification Criteria 13 December 2019. Collection method: clinical testing. Allele origin: germline.

PreventionGenetics, part of Exact Sciences
Classification: Likely benign for D2HGDH-related condition. Last evaluated: 2022-10-07. Review status: no assertion criteria provided. Collection method: clinical testing. Allele origin: germline. Not counted in ClinVar's aggregate classification.
Comment: This variant is classified as likely benign based on ACMG/AMP sequence variant interpretation guidelines (Richards et al. 2015 PMID: 25741868, with internal and published modifications).

Genetic Services Laboratory, University of Chicago
Classification: Likely benign for D-2-hydroxyglutaric aciduria 1. Last evaluated: 2015-11-19. Review status: no assertion criteria provided. Collection method: clinical testing. Allele origin: germline. Affected: yes. Not counted in ClinVar's aggregate classification.